The following is an entry in ClinVar:

NM_002332.3(LRP1):c.7318C>T (p.Arg2440Trp)

Gene: LRP1 (LDL receptor related protein 1; plus strand). Cytogenetic location: 12q13.3.
Variant type: single nucleotide variant.
Coding change: c.7318C>T on transcript NM_002332.3 (MANE Select); coding-DNA position 7318, C replaced by T.
Protein change: p.Arg2440Trp; replaces arginine 2440 with tryptophan.
Molecular consequence: missense variant.
Genome position (GRCh38, 1-based): chr12:57,191,401, C>T. VCF-style: chr12-57191401-C-T. GRCh37 (hg19) VCF-style: chr12-57585184-C-T.
Other names: short protein forms R2440W.
Identifiers: ClinVar variation 2601928 (VCV002601928.3), dbSNP rs2548078247, ClinGen allele CA385434628.
Genomic context (GRCh38, chr12:57,191,401, plus strand): 5'-GTCCACCCCTTCGGGCTGGCCGTGTATGGGGAGCACATTTTCTGGACTGACTGGGTGCGG[C>T]GGGCAGTGCAGCGGGCCAACAAGCACGTGGGCAGCAACATGAAGCTGCTGCGCGTGGACA-3'
Protein context (NP_002323.2, residues 2430-2450): EHIFWTDWVR[Arg2440Trp]AVQRANKHVG

ClinVar aggregate classification (germline): Uncertain significance. Review status: criteria provided, multiple submitters, no conflicts (2 of 4 stars). 2 submissions from 2 submitters: Uncertain significance (2). Last evaluated 2024-07-24.

Allele frequency attached by ClinVar (database versions not stated): gnomAD exomes below 0.00001.
gnomAD v4.1: 2 of 1,613,428 alleles (0.00012%); highest among the groups gnomAD compares: Non-Finnish European, 0.00017%; no homozygotes.

Submissions (2):

GeneDx
Classification: Uncertain significance. Last evaluated: 2024-07-24. Review status: criteria provided, single submitter. Criteria: GeneDx Variant Classification Process June 2021. Collection method: clinical testing. Allele origin: germline.
Comment: Not observed at significant frequency in large population cohorts (gnomAD); In silico analysis supports that this missense variant has a deleterious effect on protein structure/function; Has not been previously published as pathogenic or benign to our knowledge; Variants in candidate genes are classified as variants of uncertain significance in accordance with ACMG guidelines (PMID: 25741868)

Ambry Genetics
Classification: Uncertain significance. Last evaluated: 2023-08-18. Review status: criteria provided, single submitter. Criteria: Ambry Variant Classification Scheme 2023. Collection method: clinical testing. Allele origin: germline.